The following is an entry in ClinVar:

NM_000090.4(COL3A1):c.670T>C (p.Ser224Pro)

Gene: COL3A1 (collagen type III alpha 1 chain; plus strand). Cytogenetic location: 2q32.2.
Variant type: single nucleotide variant.
Coding change: c.670T>C on transcript NM_000090.4 (MANE Select); coding-DNA position 670, T replaced by C.
Protein change: p.Ser224Pro; replaces serine 224 with proline.
Molecular consequence: missense variant.
Genome position (GRCh38, 1-based): chr2:188,989,429, T>C. VCF-style: chr2-188989429-T-C. GRCh37 (hg19) VCF-style: chr2-189854155-T-C.
Other names: short protein forms S224P.
Identifiers: ClinVar variation 3072208 (VCV003072208.1), dbSNP rs1688132096, ClinGen allele CA349848832.

ClinVar aggregate classification (germline): Uncertain significance (1 of 4 stars; one submission).

Conditions:
Ehlers-Danlos syndrome, type 4 (EDSVASC). Also called: Ehlers-Danlos Syndrome Type IV; Ehlers-Danlos syndrome vascular type; Ehlers Danlos syndrome, ecchymotic type; Ehlers Danlos syndrome, arterial type; Ehlers Danlos syndrome, Sack-Barabas type. Identifiers: Orphanet 286, MedGen C0268338, MONDO:0017314, OMIM 130050.

Submission:

All of Us Research Program, National Institutes of Health
Classification: Uncertain significance for Ehlers-Danlos syndrome, type 4. Last evaluated: 2023-06-26. Review status: criteria provided, single submitter. Criteria: ACMG Guidelines, 2015. Collection method: clinical testing. Allele origin: germline. Inheritance: Autosomal dominant inheritance. Observed: 1 variant allele, 1 heterozygote.
Comment: This missense variant replaces serine with proline at codon 224 of the COL3A1 protein. Computational prediction suggests that this variant may not impact protein structure and function (internally defined REVEL score threshold <= 0.5, PMID: 27666373). To our knowledge, functional studies have not been reported for this variant. This variant has not been reported in individuals affected with COL3A1-related disorders in the literature. This variant has not been identified in the general population by the Genome Aggregation Database (gnomAD). The available evidence is insufficient to determine the role of this variant in disease conclusively. Therefore, this variant is classified as a Variant of Uncertain Significance.

This study involves interpretation of variants in research participants for the purpose of population health screening. Participant phenotype was not available at the time of variant classification. Additional details can be found in publication PMID: 35346344, PMCID: PMC8962531